The following is an entry in ClinVar:

ClinVar aggregate classification (germline): Likely pathogenic (1 of 4 stars; one submission).

Conditions:
LAMA2-related muscular dystrophy (LAMA2-RD). Also called: Laminin alpha 2-related dystrophy. Identifiers: MedGen C5679788, MONDO:0100228.

gnomAD v4.1: 1 of 1,614,040 alleles (0.000062%); highest among the groups gnomAD compares: Non-Finnish European, 0.000085%; no homozygotes.

Submission:

Myriad Genetics, Inc.
Classification: Likely pathogenic for LAMA2-related muscular dystrophy. Last evaluated: 2022-02-07. Review status: criteria provided, single submitter. Criteria: Myriad Autosomal Dominant, Autosomal Recessive and X-Linked Classification Criteria (2023). Collection method: clinical testing. Allele origin: unknown.
Comment: NM_000426.3(LAMA2):c.7834A>T(R2612*) is expected to be pathogenic in the context of muscular dystrophy, LAMA2-related. This variant is predicted to lead to an abnormal or absent protein product due to the creation of a premature termination codon in LAMA2, a gene where loss-of-function variants are known to be pathogenic. Please note: this variant was assessed in the context of healthy population screening.

NM_000426.4(LAMA2):c.7834A>T (p.Arg2612Ter)

Gene: LAMA2 (laminin subunit alpha 2; plus strand). Cytogenetic location: 6q22.33.
Variant type: single nucleotide variant.
Coding change: c.7834A>T on transcript NM_000426.4 (MANE Select); coding-DNA position 7834, A replaced by T.
Protein change: p.Arg2612Ter; replaces arginine 2612 with a stop codon.
Molecular consequence: nonsense.
Genome position (GRCh38, 1-based): chr6:129,486,558, A>T. VCF-style: chr6-129486558-A-T. GRCh37 (hg19) VCF-style: chr6-129807703-A-T.
Other names: c.7822A>T, p.Arg2608Ter (NM_001079823.2); short protein forms R2608*, R2612*.
Identifiers: ClinVar variation 1724344 (VCV001724344.3), dbSNP rs1190231274, ClinGen allele CA365629264.